The following is an entry in ClinVar:

ClinVar aggregate classification (germline): Pathogenic. Review status: criteria provided, multiple submitters, no conflicts (2 of 4 stars). 3 submissions from 3 submitters: Pathogenic (2). 1 of the submissions does not count toward it. Last evaluated 2025-10-14.

Conditions:
Chédiak-Higashi syndrome (CHS). Also called: Chediak-Higashi Syndrome. Identifiers: Orphanet 167, MedGen C0007965, MONDO:0008963, OMIM 214500.

Submissions (3):

Women's Health and Genetics/Laboratory Corporation of America, LabCorp
Classification: Pathogenic for Chédiak-Higashi syndrome. Last evaluated: 2025-10-14. Review status: criteria provided, single submitter. Criteria: LabCorp Variant Classification Summary - May 2015. Collection method: clinical testing. Allele origin: germline.
Comment: Variant summary: LYST c.5061T>A (p.Tyr1687X) results in a premature termination codon, predicted to cause a truncation of the encoded protein or absence of the protein due to nonsense mediated decay, which are commonly known mechanisms for disease. The variant was absent in 250440 control chromosomes (gnomAD). c.5061T>A has been observed in at least one individual affected with Chediak-Higashi Syndrome (Karim_2002). To our knowledge, no experimental evidence demonstrating an impact on protein function has been reported. The following publication have been ascertained in the context of this evaluation (PMID: 11857544). ClinVar contains an entry for this variant (Variation ID: 65543). Based on the evidence outlined above, the variant was classified as pathogenic.

Labcorp Genetics (formerly Invitae), Labcorp
Classification: Pathogenic for Chédiak-Higashi syndrome. Last evaluated: 2025-07-02. Review status: criteria provided, single submitter. Criteria: Invitae Variant Classification Sherloc (09022015). Collection method: clinical testing. Allele origin: germline.
Comment: This sequence change creates a premature translational stop signal (p.Tyr1687*) in the LYST gene. It is expected to result in an absent or disrupted protein product. Loss-of-function variants in LYST are known to be pathogenic (PMID: 9215679, 11857544). This variant is not present in population databases (gnomAD no frequency). This premature translational stop signal has been observed in individual(s) with Chediak-Higashi syndrome (PMID: 11857544, 28193763). ClinVar contains an entry for this variant (Variation ID: 65543). For these reasons, this variant has been classified as Pathogenic.

GeneReviews
No classification provided. Condition: Chédiak-Higashi syndrome. Review status: no classification provided. Collection method: literature only. Allele origin: germline. Not counted in ClinVar's aggregate classification.

Literature cited by the submitters: PubMed 11857544 (cited by Women's Health and Genetics/Laboratory Corporation of America, LabCorp and Labcorp Genetics (formerly Invitae), Labcorp); PubMed 9215679 (cited by Labcorp Genetics (formerly Invitae), Labcorp); PubMed 28193763 (cited by Labcorp Genetics (formerly Invitae), Labcorp).

NM_000081.4(LYST):c.5061T>A (p.Tyr1687Ter)

Gene: LYST (lysosomal trafficking regulator; minus strand). Cytogenetic location: 1q42.3.
Variant type: single nucleotide variant.
Coding change: c.5061T>A on transcript NM_000081.4 (MANE Select); coding-DNA position 5061, T replaced by A.
Protein change: p.Tyr1687Ter; replaces tyrosine 1687 with a stop codon.
Molecular consequence: nonsense.
Genome position (GRCh38, 1-based): chr1:235,781,018, A>T on the plus strand (T>A on the coding strand, the complement: LYST is on the minus strand). VCF-style: chr1-235781018-A-T. GRCh37 (hg19) VCF-style: chr1-235944318-A-T.
Other names: c.5061T>A, p.Tyr1687Ter (NM_001301365.1); short protein forms Y1687*.
Identifiers: ClinVar variation 65543 (VCV000065543.6), dbSNP rs80338658, ClinGen allele CA344859.
Genomic context (GRCh38, chr1:235,781,018, plus strand): 5'-GTCATTGACTGGCTTGCCATACTTACATGGCATTACAGATGTATGGTTGGGTCCACAAGC[A>T]TACAGATAAAAGGCCTCTTGTGAACCAACCTTAGCTCCTGAATAGCAGAAAAATAAAGTT-3'